The following is an entry in ClinVar:

ClinVar aggregate classification (germline): Uncertain significance. Review status: criteria provided, multiple submitters, no conflicts (2 of 4 stars). 2 submissions from 2 submitters: Uncertain significance (2). Last evaluated 2025-08-12.

Allele frequency attached by ClinVar (database versions not stated): ExAC 0.00001; TOPMed 0.00001; gnomAD 0.00002.
gnomAD v4.1: 15 of 1,612,836 alleles (0.00093%); highest among the groups gnomAD compares: East Asian, 0.0022%; no homozygotes.

Submissions (2):

Ambry Genetics
Classification: Uncertain significance. Last evaluated: 2025-08-12. Review status: criteria provided, single submitter. Criteria: Ambry Variant Classification Scheme 2023. Collection method: clinical testing. Allele origin: germline.

Labcorp Genetics (formerly Invitae), Labcorp
Classification: Uncertain significance. Last evaluated: 2023-05-22. Review status: criteria provided, single submitter. Criteria: Invitae Variant Classification Sherloc (09022015). Collection method: clinical testing. Allele origin: germline.
Comment: ClinVar contains an entry for this variant (Variation ID: 410806). This variant has not been reported in the literature in individuals affected with RINT1-related conditions. This variant is present in population databases (rs745420669, gnomAD 0.007%). This sequence change replaces isoleucine, which is neutral and non-polar, with valine, which is neutral and non-polar, at codon 60 of the RINT1 protein (p.Ile60Val). Algorithms developed to predict the effect of missense changes on protein structure and function output the following: SIFT: "Not Available"; PolyPhen-2: "Benign"; Align-GVGD: "Not Available". The valine amino acid residue is found in multiple mammalian species, which suggests that this missense change does not adversely affect protein function. In summary, the available evidence is currently insufficient to determine the role of this variant in disease. Therefore, it has been classified as a Variant of Uncertain Significance.

NM_021930.6(RINT1):c.178A>G (p.Ile60Val)

Gene: RINT1 (RAD50 interactor 1; plus strand). Cytogenetic location: 7q22.3.
Variant type: single nucleotide variant.
Coding change: c.178A>G on transcript NM_021930.6 (MANE Select); coding-DNA position 178, A replaced by G.
Protein change: p.Ile60Val; replaces isoleucine 60 with valine.
Molecular consequence: missense variant. On other transcripts: 5 prime UTR variant (3), non-coding transcript variant (1), intron variant (1).
Genome position (GRCh38, 1-based): chr7:105,536,654, A>G. VCF-style: chr7-105536654-A-G. GRCh37 (hg19) VCF-style: chr7-105177101-A-G.
Other names: c.-842A>G (NM_001346600.2); c.-745A>G (NM_001346601.2); c.-365A>G (NM_001346603.2); c.39+42A>G (NM_001346599.2); short protein forms I60V.
Identifiers: ClinVar variation 410806 (VCV000410806.15), dbSNP rs745420669, ClinGen allele CA4426363.
Genomic context (GRCh38, chr7:105,536,654, plus strand): 5'-AGTAAACAAGTCAGTGAAGGTACAGATAATGGTGATCTCCCTTCTTATGTGTCTGCATTC[A>G]TAGAAAAGGAAGTTGGAAATGACCTTAAATCTTTAAAGAAACTTGATAAACTCATAGAAC-3'
Protein context (NP_068749.3, residues 50-70): GDLPSYVSAF[Ile60Val]EKEVGNDLKS